The following is an entry in ClinVar:

NM_000343.4(SLC5A1):c.404G>A (p.Arg135Gln)

Gene: SLC5A1 (solute carrier family 5 member 1; plus strand). Cytogenetic location: 22q12.3.
Variant type: single nucleotide variant.
Coding change: c.404G>A on transcript NM_000343.4 (MANE Select); coding-DNA position 404, G replaced by A.
Protein change: p.Arg135Gln; replaces arginine 135 with glutamine.
Molecular consequence: missense variant.
Genome position (GRCh38, 1-based): chr22:32,068,527, G>A. VCF-style: chr22-32068527-G-A. GRCh37 (hg19) VCF-style: chr22-32464514-G-A.
Other names: c.23G>A, p.Arg8Gln (NM_001256314.2); short protein forms R135Q, R8Q.
Identifiers: ClinVar variation 1466660 (VCV001466660.5), dbSNP rs373203939, ClinGen allele CA10197953.

ClinVar aggregate classification (germline): Uncertain significance. Review status: criteria provided, multiple submitters, no conflicts (2 of 4 stars). 2 submissions from 2 submitters: Uncertain significance (2). Last evaluated 2023-06-08.

Conditions:
Congenital glucose-galactose malabsorption (GGM). Also called: DIARRHEA 16; MONOSACCHARIDE MALABSORPTION. Identifiers: Orphanet 35710, MedGen C0268186, MONDO:0011731, OMIM 606824.

Allele frequency attached by ClinVar (database versions not stated): gnomAD exomes below 0.00001 and 0.00001; gnomAD 0.00001; ExAC 0.00002; TOPMed 0.00003; ESP Exome Variant Server 0.00015.
gnomAD v4.1: 9 of 1,613,908 alleles (0.00056%); highest among the groups gnomAD compares: African/African-American, 0.0067%; no homozygotes.

Submissions (2):

Labcorp Genetics (formerly Invitae), Labcorp
Classification: Uncertain significance for Congenital glucose-galactose malabsorption. Last evaluated: 2023-06-08. Review status: criteria provided, single submitter. Criteria: Invitae Variant Classification Sherloc (09022015). Collection method: clinical testing. Allele origin: germline.
Comment: In summary, the available evidence is currently insufficient to determine the role of this variant in disease. Therefore, it has been classified as a Variant of Uncertain Significance. Advanced modeling of protein sequence and biophysical properties (such as structural, functional, and spatial information, amino acid conservation, physicochemical variation, residue mobility, and thermodynamic stability) performed at Invitae indicates that this missense variant is expected to disrupt SLC5A1 protein function. ClinVar contains an entry for this variant (Variation ID: 1466660). This variant has not been reported in the literature in individuals affected with SLC5A1-related conditions. This variant is present in population databases (rs373203939, gnomAD 0.02%). This sequence change replaces arginine, which is basic and polar, with glutamine, which is neutral and polar, at codon 135 of the SLC5A1 protein (p.Arg135Gln).

Fulgent Genetics
Classification: Uncertain significance for Congenital glucose-galactose malabsorption. Last evaluated: 2021-09-30. Review status: criteria provided, single submitter. Criteria: ACMG Guidelines, 2015. Collection method: clinical testing. Allele origin: unknown.